The following is an entry in ClinVar:

ClinVar aggregate classification (germline): Uncertain significance. Review status: criteria provided, multiple submitters, no conflicts (2 of 4 stars). 3 submissions from 3 submitters: Uncertain significance (3). Last evaluated 2026-04-07.

Conditions:
Neutropenia, severe congenital, 2, autosomal dominant. Identifiers: Orphanet 486, MedGen C2751288, MONDO:0013139, OMIM 613107.

Submissions (3):

Women's Health and Genetics/Laboratory Corporation of America, LabCorp
Classification: Uncertain significance. Last evaluated: 2026-04-07. Review status: criteria provided, single submitter. Criteria: LabCorp Variant Classification Summary - May 2015. Collection method: clinical testing. Allele origin: germline.

Ambry Genetics
Classification: Uncertain significance. Last evaluated: 2025-09-28. Review status: criteria provided, single submitter. Criteria: Ambry Variant Classification Scheme 2023. Collection method: clinical testing. Allele origin: germline.
Comment: The p.R133L variant (also known as c.398G>T), located in coding exon 3 of the GFI1 gene, results from a G to T substitution at nucleotide position 398. The arginine at codon 133 is replaced by leucine, an amino acid with dissimilar properties. This amino acid position is conserved. In addition, this alteration is predicted to be tolerated by in silico analysis. Based on the available evidence, the clinical significance of this variant remains unclear.

Labcorp Genetics (formerly Invitae), Labcorp
Classification: Uncertain significance for Neutropenia, severe congenital, 2, autosomal dominant. Last evaluated: 2023-08-19. Review status: criteria provided, single submitter. Criteria: Invitae Variant Classification Sherloc (09022015). Collection method: clinical testing. Allele origin: germline.
Comment: This sequence change replaces arginine, which is basic and polar, with leucine, which is neutral and non-polar, at codon 133 of the GFI1 protein (p.Arg133Leu). This variant is not present in population databases (gnomAD no frequency). This variant has not been reported in the literature in individuals affected with GFI1-related conditions. Advanced modeling of protein sequence and biophysical properties (such as structural, functional, and spatial information, amino acid conservation, physicochemical variation, residue mobility, and thermodynamic stability) performed at Invitae indicates that this missense variant is not expected to disrupt GFI1 protein function. In summary, the available evidence is currently insufficient to determine the role of this variant in disease. Therefore, it has been classified as a Variant of Uncertain Significance.

NM_005263.5(GFI1):c.398G>T (p.Arg133Leu)

Gene: GFI1 (growth factor independent 1 transcriptional repressor; minus strand). Cytogenetic location: 1p22.1.
Variant type: single nucleotide variant.
Coding change: c.398G>T on transcript NM_005263.5 (MANE Select); coding-DNA position 398, G replaced by T.
Protein change: p.Arg133Leu; replaces arginine 133 with leucine.
Molecular consequence: missense variant.
Genome position (GRCh38, 1-based): chr1:92,480,989, C>A on the plus strand (G>T on the coding strand, the complement: GFI1 is on the minus strand). VCF-style: chr1-92480989-C-A. GRCh37 (hg19) VCF-style: chr1-92946546-C-A.
Other names: c.398G>T, p.Arg133Leu (NM_001127215.3, NM_001127216.3); short protein forms R133L.
Identifiers: ClinVar variation 2907435 (VCV002907435.5), dbSNP rs951596805, ClinGen allele CA27090352.